The following is an entry in ClinVar:

ClinVar aggregate classification (germline): Uncertain significance (1 of 4 stars; one submission).

Allele frequency attached by ClinVar (database versions not stated): gnomAD exomes 0.00001.
gnomAD v4.1: 11 of 1,613,310 alleles (0.00068%); highest among the groups gnomAD compares: African/African-American, 0.0013%; no homozygotes.

Submission:

Labcorp Genetics (formerly Invitae), Labcorp
Classification: Uncertain significance. Last evaluated: 2024-10-24. Review status: criteria provided, single submitter. Criteria: Invitae Variant Classification Sherloc (09022015). Collection method: clinical testing. Allele origin: germline.
Comment: This sequence change replaces arginine, which is basic and polar, with glutamine, which is neutral and polar, at codon 462 of the TBXAS1 protein (p.Arg462Gln). This variant is present in population databases (no rsID available, gnomAD 0.0009%). This variant has not been reported in the literature in individuals affected with TBXAS1-related conditions. ClinVar contains an entry for this variant (Variation ID: 1989587). An algorithm developed to predict the effect of missense changes on protein structure and function outputs the following: PolyPhen-2: "Benign". The glutamine amino acid residue is found in multiple mammalian species, which suggests that this missense change does not adversely affect protein function. In summary, the available evidence is currently insufficient to determine the role of this variant in disease. Therefore, it has been classified as a Variant of Uncertain Significance.

NM_001061.7(TBXAS1):c.1382G>A (p.Arg461Gln)

Gene: TBXAS1 (thromboxane A synthase 1; plus strand). Cytogenetic location: 7q34.
Variant type: single nucleotide variant.
Coding change: c.1382G>A on transcript NM_001061.7 (MANE Select); coding-DNA position 1382, G replaced by A.
Protein change: p.Arg461Gln; replaces arginine 461 with glutamine.
Molecular consequence: missense variant. On other transcripts: intron variant (1).
Genome position (GRCh38, 1-based): chr7:140,017,688, G>A. VCF-style: chr7-140017688-G-A. GRCh37 (hg19) VCF-style: chr7-139717488-G-A.
Other names: c.1382G>A, p.Arg461Gln (NM_001130966.5); c.1520G>A, p.Arg507Gln (NM_001166253.4); c.1181G>A, p.Arg394Gln (NM_001166254.4); c.1325G>A, p.Arg442Gln (NM_001314028.4); c.1199G>A, p.Arg400Gln (NM_001366537.3); c.1364+1828G>A (NM_030984.6); short protein forms R400Q, R461Q, R462Q, R507Q, R508Q, R394Q, R442Q.
Identifiers: ClinVar variation 1989587 (VCV001989587.4), dbSNP rs1259191382, ClinGen allele CA369519684.
Genomic context (GRCh38, chr7:140,017,688, plus strand): 5'-GGAGCGGGTGTTCTGGGCCAGCCCTGACCACACGGACCTGCAGGTTCACGGCTGAGGCCC[G>A]GCAGCAGCACCGGCCCTTCACGTACCTGCCCTTCGGGGCCGGCCCACGGAGCTGCCTCGG-3'
Protein context (NP_001052.3, residues 451-471): FNPERFTAEA[Arg461Gln]QQHRPFTYLP